The following is an entry in ClinVar:

NC_000015.9:g.(?_55497685)_(55527152_?)dup

Gene: RAB27A (RAB27A, member RAS oncogene family; minus strand). Cytogenetic location: 15q21.3.
Variant type: Duplication.
Identifiers: ClinVar variation 1036028 (VCV001036028.1).

ClinVar aggregate classification (germline): Uncertain significance (1 of 4 stars; one submission).

Conditions:
Griscelli syndrome type 2 (GS2). Also called: PAID SYNDROME; PARTIAL ALBINISM AND IMMUNODEFICIENCY SYNDROME; GRISCELLI SYNDROME WITH HEMOPHAGOCYTIC SYNDROME. Identifiers: Orphanet 381, Orphanet 79477, MedGen C1868679, MONDO:0011872, OMIM 607624.

Submission:

Labcorp Genetics (formerly Invitae), Labcorp
Classification: Uncertain significance for Griscelli syndrome type 2. Last evaluated: 2020-03-23. Review status: criteria provided, single submitter. Criteria: Invitae Variant Classification Sherloc (09022015). Collection method: clinical testing. Allele origin: germline.
Comment: This variant results in a copy number gain of the genomic region encompassing the full coding sequence of the RAB27A gene. The boundaries of this event are unknown as they extend beyond the assayed region for this gene and therefore may encompass additional genes. As the precise location of this event is unknown, it may be in tandem or it may be located elsewhere in the genome. This variant has not been reported in the literature in individuals with RAB27A-related conditions. Experimental studies and prediction algorithms are not available or were not evaluated, and the functional significance of this variant is currently unknown. In summary, the available evidence is currently insufficient to determine the role of this variant in disease. Therefore, it has been classified as a Variant of Uncertain Significance.